The following is an entry in ClinVar:

ClinVar aggregate classification (germline): Uncertain significance. Review status: criteria provided, multiple submitters, no conflicts (2 of 4 stars). 2 submissions from 2 submitters: Uncertain significance (2). Last evaluated 2024-05-23.

Conditions:
Polycystic kidney disease 4 (PKD4). Also called: POLYCYSTIC KIDNEY DISEASE 4 WITH OR WITHOUT POLYCYSTIC LIVER DISEASE; PKD3; POLYCYSTIC KIDNEY AND HEPATIC DISEASE 1; POLYCYSTIC KIDNEY DISEASE, INFANTILE, TYPE I; Autosomal Recessive Polycystic Kidney Disease – PKHD1. Identifiers: MedGen C4540575, MONDO:0033004, OMIM 263200.

Allele frequency attached by ClinVar (database versions not stated): gnomAD 0.00001; TOPMed 0.00001.
gnomAD v4.1: 1 of 1,612,484 alleles (0.000062%); highest among the groups gnomAD compares: Admixed American, 0.0017%; no homozygotes.

Submissions (2):

Fulgent Genetics
Classification: Uncertain significance for Polycystic kidney disease 4. Last evaluated: 2024-05-23. Review status: criteria provided, single submitter. Criteria: ACMG Guidelines, 2015. Collection method: clinical testing. Allele origin: germline.

Women's Health and Genetics/Laboratory Corporation of America, LabCorp
Classification: Uncertain significance. Last evaluated: 2024-03-06. Review status: criteria provided, single submitter. Criteria: LabCorp Variant Classification Summary - May 2015. Collection method: clinical testing. Allele origin: germline.
Comment: Variant summary: PKHD1 c.5681G>A (p.Cys1894Tyr) results in a non-conservative amino acid change in the encoded protein sequence. Five of five in-silico tools predict a damaging effect of the variant on protein function. The variant was absent in 251322 control chromosomes. The available data on variant occurrences in the general population are insufficient to allow any conclusion about variant significance. c.5681G>A has been reported in the literature in a compound heterozygous fetus with Polycystic Kidney Disease (Xyu_2021). These data do not allow any conclusion about variant significance. To our knowledge, no experimental evidence demonstrating an impact on protein function has been reported. The following publication have been ascertained in the context of this evaluation (PMID: 34487536). No submitters have cited clinical-significance assessments for this variant to ClinVar. Based on the evidence outlined above, the variant was classified as uncertain significance.

Literature cited by the submitters: PubMed 34487536 (cited by Women's Health and Genetics/Laboratory Corporation of America, LabCorp).

NM_138694.4(PKHD1):c.5681G>A (p.Cys1894Tyr)

Gene: PKHD1 (PKHD1 ciliary IPT domain containing fibrocystin/polyductin; minus strand). Cytogenetic location: 6p12.2.
Variant type: single nucleotide variant.
Coding change: c.5681G>A on transcript NM_138694.4 (MANE Select); coding-DNA position 5681, G replaced by A.
Protein change: p.Cys1894Tyr; replaces cysteine 1894 with tyrosine.
Molecular consequence: missense variant.
Genome position (GRCh38, 1-based): chr6:52,010,379, C>T on the plus strand (G>A on the coding strand, the complement: PKHD1 is on the minus strand). VCF-style: chr6-52010379-C-T. GRCh37 (hg19) VCF-style: chr6-51875177-C-T.
Other names: c.5681G>A, p.Cys1894Tyr (NM_170724.3); short protein forms C1894Y.
Identifiers: ClinVar variation 3233631 (VCV003233631.3), dbSNP rs1005912301, ClinGen allele CA138930093.